The following is an entry in ClinVar:

NM_001099287.2(NIPAL4):c.224T>C (p.Ile75Thr)

Gene: NIPAL4 (NIPA like domain containing 4; plus strand). Cytogenetic location: 5q33.3.
Variant type: single nucleotide variant.
Coding change: c.224T>C on transcript NM_001099287.2 (MANE Select); coding-DNA position 224, T replaced by C.
Protein change: p.Ile75Thr; replaces isoleucine 75 with threonine.
Molecular consequence: missense variant.
Genome position (GRCh38, 1-based): chr5:157,463,280, T>C. VCF-style: chr5-157463280-T-C. GRCh37 (hg19) VCF-style: chr5-156890288-T-C.
Other names: c.224T>C, p.Ile75Thr (NM_001172292.2); short protein forms I137T, I75T.
Identifiers: ClinVar variation 1723811 (VCV001723811.2), dbSNP rs2532888870, ClinGen allele CA361980283.

ClinVar aggregate classification (germline): Uncertain significance (1 of 4 stars; one submission).

Submission:

GeneDx
Classification: Uncertain significance. Last evaluated: 2022-05-06. Review status: criteria provided, single submitter. Criteria: GeneDx Variant Classification Process June 2021. Collection method: clinical testing. Allele origin: germline. Affected: yes.
Comment: Not observed at significant frequency in large population cohorts (gnomAD); In silico analysis supports that this missense variant has a deleterious effect on protein structure/function; Has not been previously published as pathogenic or benign to our knowledge